The following is an entry in ClinVar:

NM_001267550.2(TTN):c.54541G>T (p.Gly18181Ter)

Genes: TTN (titin; minus strand), TTN-AS1 (TTN antisense RNA 1; plus strand). Cytogenetic location: 2q31.2.
Variant type: single nucleotide variant.
Coding change: c.54541G>T on transcript NM_001267550.2 (MANE Select); coding-DNA position 54541, G replaced by T.
Protein change: p.Gly18181Ter; replaces glycine 18181 with a stop codon.
Molecular consequence: nonsense.
Genome position (GRCh38, 1-based): chr2:178,604,146, C>A on the plus strand (G>T on the coding strand, the complement: TTN is on the minus strand). VCF-style: chr2-178604146-C-A. GRCh37 (hg19) VCF-style: chr2-179468873-C-A.
Other names: c.49618G>T, p.Gly16540Ter (NM_001256850.1); c.27346G>T, p.Gly9116Ter (NM_003319.4); c.46837G>T, p.Gly15613Ter (NM_133378.4); c.27721G>T, p.Gly9241Ter (NM_133432.3); c.27922G>T, p.Gly9308Ter (NM_133437.4); short protein forms G16540*, G9308*, G18181*, G15613*, G9116*, G9241*.
Identifiers: ClinVar variation 4824735 (VCV004824735.1).

ClinVar aggregate classification (germline): Likely pathogenic (1 of 4 stars; one submission).

Conditions:
Cardiovascular phenotype. Identifiers: MedGen CN230736.

Submission:

Ambry Genetics
Classification: Likely pathogenic for Cardiovascular phenotype. Last evaluated: 2026-01-26. Review status: criteria provided, single submitter. Criteria: Ambry Variant Classification Scheme 2023. Collection method: clinical testing. Allele origin: germline.
Comment: The p.G9116* variant (also known as c.27346G>T), located in coding exon 109 of the TTN gene, results from a G to T substitution at nucleotide position 27346. This changes the amino acid from a glycine to a stop codon within coding exon 109. This exon is located in the A-band region of the N2-B isoform of the titin protein and is constitutively expressed in TTN transcripts (percent spliced in or PSI 100%). This variant was detected in a cardiomyopathy genetic testing cohort (van Lint FHM et al. Neth Heart J, 2019 Jun;27:304-309). Note, this variant is also referred to as c.46837G>T p.(Gly15613*) in the literature. This variant is considered to be rare based on population cohorts in the Genome Aggregation Database (gnomAD). This variant is expected to result in loss of function by premature protein truncation or nonsense-mediated mRNA decay. While truncating variants in TTN are present in 1-3% of the general population, truncating variants in the A-band are the most common cause of dilated cardiomyopathy (Herman DS et al. N. Engl. J. Med., 2012 Feb;366:619-28; Roberts AM et al. Sci Transl Med, 2015 Jan;7:270ra6). TTN truncating variants encoded in constitutive exons (PSI >90%) have been found to be significantly associated with DCM regardless of their position in titin (Schafer S et al. Nat. Genet., 2017 01;49:46-53; Akhtar MM et al. Circ Heart Fail, 2020 Oct;13:e006832; Massier M et al. Clin Genet, 2025 Jan). Based on the majority of available evidence to date, this variant is likely to be pathogenic.

Literature cited by the submitters: PubMed 30847666.